The following is an entry in ClinVar:

ClinVar aggregate classification (germline): Uncertain significance (1 of 4 stars; one submission).

Conditions:
Early-infantile DEE. Also called: Early infantile epileptic encephalopathy; Ohtahara syndrome; Early infantile epileptic encephalopathy with suppression bursts. Identifiers: Orphanet 1934, MedGen C0393706, MONDO:0800491.

Submission:

Labcorp Genetics (formerly Invitae), Labcorp
Classification: Uncertain significance for Early-infantile DEE. Last evaluated: 2021-01-13. Review status: criteria provided, single submitter. Criteria: Invitae Variant Classification Sherloc (09022015). Collection method: clinical testing. Allele origin: germline.
Comment: This sequence change replaces glutamine with glutamic acid at codon 687 of the SCN8A protein (p.Gln687Glu). The glutamine residue is highly conserved and there is a small physicochemical difference between glutamine and glutamic acid. This variant is not present in population databases (ExAC no frequency). This variant has not been reported in the literature in individuals with SCN8A-related conditions. Algorithms developed to predict the effect of missense changes on protein structure and function are either unavailable or do not agree on the potential impact of this missense change (SIFT: "Deleterious"; PolyPhen-2: "Benign"; Align-GVGD: "Class C0"). In summary, the available evidence is currently insufficient to determine the role of this variant in disease. Therefore, it has been classified as a Variant of Uncertain Significance.

NM_001330260.2(SCN8A):c.2059C>G (p.Gln687Glu)

Gene: SCN8A (sodium voltage-gated channel alpha subunit 8; plus strand). Cytogenetic location: 12q13.13.
Variant type: single nucleotide variant.
Coding change: c.2059C>G on transcript NM_001330260.2 (MANE Select); coding-DNA position 2059, C replaced by G.
Protein change: p.Gln687Glu; replaces glutamine 687 with glutamic acid.
Molecular consequence: missense variant.
Genome position (GRCh38, 1-based): chr12:51,745,963, C>G. VCF-style: chr12-51745963-C-G. GRCh37 (hg19) VCF-style: chr12-52139747-C-G.
Other names: c.2059C>G, p.Gln687Glu (NM_001177984.3, NM_001369788.1, NM_014191.4); short protein forms Q687E.
Identifiers: ClinVar variation 1502228 (VCV001502228.9), dbSNP rs2138828768, ClinGen allele CA384878613.